The following is an entry in ClinVar:

ClinVar aggregate classification (germline): Uncertain significance (1 of 4 stars; one submission).

Conditions:
RFT1-congenital disorder of glycosylation (CDG1N). Also called: Congenital disorder of glycosylation type In; RFT1-CDG; CDG In. Identifiers: Orphanet 244310, MedGen C2677590, MONDO:0012783, OMIM 612015.

Allele frequency attached by ClinVar (database versions not stated): gnomAD 0.00001; gnomAD exomes 0.00001 and 0.00002; ExAC 0.00002; TOPMed 0.00002.
gnomAD v4.1: 20 of 1,613,292 alleles (0.0012%); highest among the groups gnomAD compares: South Asian, 0.013%; no homozygotes.

Submission:

Labcorp Genetics (formerly Invitae), Labcorp
Classification: Uncertain significance for RFT1-congenital disorder of glycosylation. Last evaluated: 2020-02-27. Review status: criteria provided, single submitter. Criteria: Invitae Variant Classification Sherloc (09022015). Collection method: clinical testing. Allele origin: germline.
Comment: This sequence change replaces isoleucine with valine at codon 181 of the RFT1 protein (p.Ile181Val). The isoleucine residue is moderately conserved and there is a small physicochemical difference between isoleucine and valine. This variant is present in population databases (rs771804132, ExAC 0.007%). This variant has not been reported in the literature in individuals with RFT1-related conditions. Algorithms developed to predict the effect of missense changes on protein structure and function (SIFT, PolyPhen-2, Align-GVGD) all suggest that this variant is likely to be tolerated, but these predictions have not been confirmed by published functional studies and their clinical significance is uncertain. In summary, the available evidence is currently insufficient to determine the role of this variant in disease. Therefore, it has been classified as a Variant of Uncertain Significance.

NM_052859.4(RFT1):c.541A>G (p.Ile181Val)

Gene: RFT1 (RFT1 glycolipid translocator homolog; minus strand). Cytogenetic location: 3p21.1.
Variant type: single nucleotide variant.
Coding change: c.541A>G on transcript NM_052859.4 (MANE Select); coding-DNA position 541, A replaced by G.
Protein change: p.Ile181Val; replaces isoleucine 181 with valine.
Molecular consequence: missense variant.
Genome position (GRCh38, 1-based): chr3:53,121,716, T>C on the plus strand (A>G on the coding strand, the complement: RFT1 is on the minus strand). VCF-style: chr3-53121716-T-C. GRCh37 (hg19) VCF-style: chr3-53155732-T-C.
Other names: short protein forms I181V.
Identifiers: ClinVar variation 1047080 (VCV001047080.1), dbSNP rs771804132, ClinGen allele CA2451427.